The following is an entry in ClinVar:

ClinVar aggregate classification (germline): Conflicting classifications of pathogenicity. Review status: criteria provided, conflicting classifications (1 of 4 stars). 16 submissions from 16 submitters: Uncertain significance (1); Benign (3); Likely benign (7). 5 of the submissions do not count toward it. Last evaluated 2026-01-18.

Conditions:
Hereditary cancer-predisposing syndrome. Also called: Tumor predisposition; Hereditary neoplastic syndrome; Neoplastic Syndromes, Hereditary; Hereditary Cancer Syndrome. Identifiers: Orphanet 140162, MedGen C0027672, MeSH D009386, MONDO:0015356.
Microcephaly, normal intelligence and immunodeficiency (NBS). Also called: Nijmegen breakage syndrome; Microcephaly with normal intelligence immunodeficiency and lymphoreticular malignancies; Nonsyndromal microcephaly autosomal recessive with normal intelligence; Seemanova syndrome 2; SEEMANOVA SYNDROME II; Immunodeficiency, microcephaly with normal intelligence. Identifiers: Orphanet 647, MedGen C0398791, MONDO:0009623, OMIM 251260.
Malignant tumor of breast. Also called: Malignant breast neoplasm; Cancer breast. Identifiers: MedGen C0006142, MONDO:0007254. Disease mechanism: loss of function.

Allele frequency attached by ClinVar (database versions not stated): gnomAD 0.00011 and 0.00015; gnomAD exomes 0.00012 and 0.00027; TOPMed 0.00013; 1000 Genomes Project 0.00040; 1000 Genomes Project 30x 0.00047; ExAC 0.00052.
gnomAD v4.1: 192 of 1,517,332 alleles (0.013%); highest among the groups gnomAD compares: South Asian, 0.13%; 1 homozygote.

Submissions (16):

Labcorp Genetics (formerly Invitae), Labcorp
Classification: Benign for Microcephaly, normal intelligence and immunodeficiency. Last evaluated: 2026-01-18. Review status: criteria provided, single submitter. Criteria: Invitae Variant Classification Sherloc (09022015). Collection method: clinical testing. Allele origin: germline.

Quest Diagnostics Nichols Institute San Juan Capistrano
Classification: Likely benign. Last evaluated: 2025-08-11. Review status: criteria provided, single submitter. Criteria: Quest Diagnostics criteria. Collection method: clinical testing. Allele origin: unknown.

Institute for Biomarker Research, Medical Diagnostic Laboratories, L.L.C.
Classification: Likely benign for Hereditary cancer-predisposing syndrome. Last evaluated: 2025-05-29. Review status: criteria provided, single submitter. Criteria: ACMG Guidelines, 2015. Collection method: clinical testing. Allele origin: germline.
Comment: The intron variant NM_002485.5(NBN):c.1914+10G>A has not been reported previously as a pathogenic variant nor as a benign variant, to our knowledge. The c.1914+10G>A variant is not predicted to disrupt the existing donor splice site 8bp upstream by any splice site algorithm. The c.1914+10G>A variant results in a substitution of a base that is not predicted conserved by GERP++ and PhyloP. For these reasons, this variant has been classified as Likely Benign.

ARUP Laboratories, Molecular Genetics and Genomics, ARUP Laboratories
Classification: Likely benign. Last evaluated: 2025-03-04. Review status: criteria provided, single submitter. Criteria: ARUP Molecular Germline Variant Investigation Process 2024. Collection method: clinical testing. Allele origin: germline.

Blueprint Genetics
Classification: Likely benign. Last evaluated: 2024-08-16. Review status: criteria provided, single submitter. Criteria: ACMG Guidelines, 2015. Collection method: clinical testing. Allele origin: germline.

Genome-Nilou Lab
Classification: Benign for Microcephaly, normal intelligence and immunodeficiency. Last evaluated: 2021-11-07. Review status: criteria provided, single submitter. Criteria: ACMG Guidelines, 2015. Collection method: clinical testing. Allele origin: germline. Affected: no.

Women's Health and Genetics/Laboratory Corporation of America, LabCorp
Classification: Likely benign. Last evaluated: 2020-01-23. Review status: criteria provided, single submitter. Criteria: LabCorp Variant Classification Summary - May 2015. Collection method: clinical testing. Allele origin: germline.
Comment: Variant summary: NBN c.1914+10G>A alters a non-conserved nucleotide located close to a canonical splice site and therefore could affect mRNA splicing, leading to a significantly altered protein sequence. 4/4 computational tools predict no significant impact on normal splicing. However, these predictions have yet to be confirmed by functional studies. The variant allele was found at a frequency of 0.00027 in 220710 control chromosomes in the gnomAD database, including 1 homozygote. This frequency is not significantly higher than expected for a pathogenic variant in NBN causing Nijmegen Breakage Syndrome (0.00027 vs 0.0025), allowing no conclusion about variant significance. To our knowledge, no occurrence of c.1914+10G>A in individuals affected with Nijmegen Breakage Syndrome and no experimental evidence demonstrating its impact on protein function have been reported. Five ClinVar submitters (evaluation after 2014) cite the variant as benign/likely benign. Based on the evidence outlined above, the variant was classified as likely benign.

PreventionGenetics, part of Exact Sciences
Classification: Likely benign. Last evaluated: 2017-03-10. Review status: criteria provided, single submitter. Criteria: ACMG Guidelines, 2015. Collection method: clinical testing. Allele origin: germline.

Color Diagnostics, LLC DBA Color Health
Classification: Likely benign for Hereditary cancer-predisposing syndrome. Last evaluated: 2015-04-29. Review status: criteria provided, single submitter. Criteria: ACMG Guidelines, 2015. Collection method: clinical testing. Allele origin: germline.

Genetic Services Laboratory, University of Chicago
Classification: Uncertain significance. Last evaluated: 2014-12-05. Review status: criteria provided, single submitter. Criteria: ACMG Guidelines, 2015. Collection method: clinical testing. Allele origin: germline.

GeneDx
Classification: Benign. Last evaluated: 2014-02-25. Review status: criteria provided, single submitter. Criteria: GeneDx Variant Classification (06012015). Collection method: clinical testing. Allele origin: germline. Affected: yes.
Comment: This variant is considered likely benign or benign based on one or more of the following criteria: it is a conservative change, it occurs at a poorly conserved position in the protein, it is predicted to be benign by multiple in silico algorithms, and/or has population frequency not consistent with disease.

Natera, Inc.
Classification: Likely benign for Nijmegen breakage syndrome. Last evaluated: 2019-11-11. Review status: no assertion criteria provided. Collection method: clinical testing. Allele origin: germline. Not counted in ClinVar's aggregate classification.

Counsyl
Classification: Likely benign for Microcephaly, normal intelligence and immunodeficiency. Last evaluated: 2017-10-11. Review status: no assertion criteria provided. Collection method: clinical testing. Allele origin: unknown. Not counted in ClinVar's aggregate classification.

Clinical Genetics DNA and cytogenetics Diagnostics Lab, Erasmus MC, Erasmus Medical Center
Classification: Likely benign. Review status: no assertion criteria provided. Collection method: clinical testing. Allele origin: germline. Affected: yes. Study: VKGL Data-share Consensus. Not counted in ClinVar's aggregate classification.

Department of Pathology and Laboratory Medicine, Sinai Health System
Classification: Likely benign for Malignant tumor of breast. Review status: no assertion criteria provided. Collection method: clinical testing. Allele origin: unknown. Affected: yes. Study: The Canadian Open Genetics Repository (COGR). Not counted in ClinVar's aggregate classification.
Comment: The NBN c.1914+10G>A variant was not identified in the literature. The variant was identified in dbSNP (rs577706448) as â€šÃ„Ãºwith other alleleâ€šÃ„Ã¹, ClinVar (classified as likely benign by Color, Counsyl and Prevention Genetics; as benign by Invitae and GeneDx and as uncertain significance by University of Chicago) and LOVD 3.0 (observed 1x). The variant was identified in control databases in 59 of 220,710 chromosomes (1 homozygous) at a frequency of 0.0003 (Genome Aggregation Database Feb 27, 2017). The variant was observed in the following populations: South Asian in 34 of 27,638 chromosomes (freq: 0.001), Latino in 15 of 32,818 chromosomes (freq: 0.0005), Other in 1 of 5498 chromosomes (freq: 0.0002), African in 1 of 13,392 chromosomes (freq: 0.00008), European in 7 of 94,896 chromosomes (freq: 0.00007) and Finnish in 1 of 20,126 chromosomes (freq: 0.00005), while the variant was not observed in the Ashkenazi Jewish or East Asian populations. The variant occurs at a non-highly conserved nucleotide outside of the splicing consensus sequence and in silico or computational prediction software programs (SpliceSiteFinder, MaxEntScan, NNSPLICE, GeneSplicer) do not predict a difference in splicing. In summary, based on the above information, the clinical significance of this variant cannot be determined with certainty at this time although we would lean towards a more benign role for this variant. This variant is classified as likely benign.

Genome Diagnostics Laboratory, University Medical Center Utrecht
Classification: Likely benign. Review status: no assertion criteria provided. Collection method: clinical testing. Allele origin: germline. Affected: yes. Study: VKGL Data-share Consensus. Not counted in ClinVar's aggregate classification.

NM_002485.5(NBN):c.1914+10G>A

Genes: NBN (nibrin; minus strand), LOC126860438 (MED14-independent group 3 enhancer GRCh37_chr8:90959982-90961181; plus strand). Cytogenetic location: 8q21.3.
Variant type: single nucleotide variant.
Coding change: c.1914+10G>A on transcript NM_002485.5 (MANE Select); 10 bases into the intron after coding-DNA position 1914, G replaced by A.
Molecular consequence: intron variant.
Genome position (GRCh38, 1-based): chr8:89,947,814, C>T on the plus strand (G>A on the coding strand, the complement: NBN is on the minus strand). VCF-style: chr8-89947814-C-T. GRCh37 (hg19) VCF-style: chr8-90960042-C-T.
Other names: c.1668+10G>A (NM_001024688.3).
Identifiers: ClinVar variation 138428 (VCV000138428.34), dbSNP rs577706448, ClinGen allele CA205304.
Genomic context (GRCh38, chr8:89,947,814, plus strand): 5'-TCACAAAAATTGATGAGATGACAGTCCCCGTAAGCCAAATCTGTATAAAAATTAATAAAA[C>T]GTTTCTCACAGATATTTCTTTAGCTGACCATAGTGAGTCTTCCTTGAGTTCACGTTTCTT-3'